The following is an entry in ClinVar:

ClinVar aggregate classification (germline): Uncertain significance. Review status: criteria provided, multiple submitters, no conflicts (2 of 4 stars). 3 submissions from 3 submitters: Uncertain significance (3). Last evaluated 2023-12-22.

Conditions:
Pontocerebellar hypoplasia type 3 (PCH3). Also called: PCH WITH OPTIC ATROPHY; CEREBELLAR ATROPHY WITH PROGRESSIVE MICROCEPHALY. Identifiers: Orphanet 97249, MedGen C1842687, MONDO:0011948, OMIM 608027.

Allele frequency attached by ClinVar (database versions not stated): gnomAD 0.00005 and 0.00006; TOPMed 0.00006; ExAC 0.00011; gnomAD exomes 0.00013; 1000 Genomes Project 30x 0.00031; 1000 Genomes Project 0.00040.
gnomAD v4.1: 90 of 1,613,014 alleles (0.0056%); highest among the groups gnomAD compares: South Asian, 0.036%; 1 homozygote.

Submissions (3):

Labcorp Genetics (formerly Invitae), Labcorp
Classification: Uncertain significance. Last evaluated: 2023-12-22. Review status: criteria provided, single submitter. Criteria: Invitae Variant Classification Sherloc (09022015). Collection method: clinical testing. Allele origin: germline.
Comment: This sequence change replaces arginine, which is basic and polar, with cysteine, which is neutral and slightly polar, at codon 1123 of the PCLO protein (p.Arg1123Cys). This variant is present in population databases (rs562725219, gnomAD 0.05%). This variant has not been reported in the literature in individuals affected with PCLO-related conditions. ClinVar contains an entry for this variant (Variation ID: 1028492). Experimental studies and prediction algorithms are not available or were not evaluated, and the functional significance of this variant is currently unknown. In summary, the available evidence is currently insufficient to determine the role of this variant in disease. Therefore, it has been classified as a Variant of Uncertain Significance.

Neuberg Centre For Genomic Medicine, NCGM
Classification: Uncertain significance for Pontocerebellar hypoplasia type 3. Last evaluated: 2023-05-20. Review status: criteria provided, single submitter. Criteria: ACMG Guidelines, 2015. Collection method: clinical testing. Allele origin: germline. Inheritance: Autosomal recessive inheritance. Affected: yes.
Comment: The observed missense c.3367C>T (p.Arg1123Cys) variant in PCLO gene has been reported previously in homozygous state in individual affected with Pontocerebellar hypoplasia, type 3 (Mohammadi et al., 2022). The p.Arg1123Cys variant is present with allele frequency of 0.01% in gnomAD Exomes. This variant has been submitted to the ClinVar database as Uncertain Significance. Computational evidence (Polyphen - Possibly Damaging, SIFT - Damaging and MutationTaster - Polymorphism) predicts conflicting evidence on protein structure and function for this variant. The reference amino acid of p.Arg1123Cys in PCLO is predicted as conserved by GERP++ and PhyloP across 100 vertebrates. The amino acid Arg at position 1123 is changed to a Cys changing protein sequence and it might alter its composition and physico-chemical properties. However, additional functional studies will be required to prove the pathogenicity of this variant. For these reasons, this variant has been classified as a Variant of Uncertain Significance (VUS).

Baylor Genetics
Classification: Uncertain significance for Pontocerebellar hypoplasia type 3. Last evaluated: 2020-07-24. Review status: criteria provided, single submitter. Criteria: ACMG Guidelines, 2015. Collection method: clinical testing. Allele origin: unknown. Affected: yes.
Comment: This variant was determined to be of uncertain significance according to ACMG Guidelines, 2015 [PMID:25741868].

NM_033026.6(PCLO):c.3367C>T (p.Arg1123Cys)

Gene: PCLO (piccolo presynaptic cytomatrix protein; minus strand). Cytogenetic location: 7q21.11.
Variant type: single nucleotide variant.
Coding change: c.3367C>T on transcript NM_033026.6 (MANE Select); coding-DNA position 3367, C replaced by T.
Protein change: p.Arg1123Cys; replaces arginine 1123 with cysteine.
Molecular consequence: missense variant.
Genome position (GRCh38, 1-based): chr7:82,966,421, G>A on the plus strand (C>T on the coding strand, the complement: PCLO is on the minus strand). VCF-style: chr7-82966421-G-A. GRCh37 (hg19) VCF-style: chr7-82595737-G-A.
Other names: c.3367C>T, p.Arg1123Cys (NM_014510.3); short protein forms R1123C.
Identifiers: ClinVar variation 1028492 (VCV001028492.8), dbSNP rs562725219, ClinGen allele CA4321052.